The following is an entry in ClinVar:

ClinVar aggregate classification (germline): Likely benign. Review status: criteria provided, multiple submitters, no conflicts (2 of 4 stars). 2 submissions from 2 submitters: Likely benign (2). Last evaluated 2024-09-01.

Allele frequency attached by ClinVar (database versions not stated): gnomAD 0.00001; gnomAD exomes 0.00001 and 0.00002; TOPMed 0.00003; ExAC 0.00006.
gnomAD v4.1: 14 of 1,588,494 alleles (0.00088%); highest among the groups gnomAD compares: Admixed American, 0.0089%; no homozygotes.

Submissions (2):

CeGaT Center for Human Genetics Tuebingen
Classification: Likely benign. Last evaluated: 2024-09-01. Review status: criteria provided, single submitter. Criteria: CeGaT Center For Human Genetics Tuebingen Variant Classification Criteria Version 2. Collection method: clinical testing. Allele origin: germline. Affected: yes. Observed: 1 variant allele.
Comment: KIF5C: BP4, BP7

GeneDx
Classification: Likely benign. Last evaluated: 2017-06-09. Review status: criteria provided, single submitter. Criteria: GeneDx Variant Classification (06012015). Collection method: clinical testing. Allele origin: germline. Affected: yes.
Comment: This variant is considered likely benign or benign based on one or more of the following criteria: it is a conservative change, it occurs at a poorly conserved position in the protein, it is predicted to be benign by multiple in silico algorithms, and/or has population frequency not consistent with disease.

NM_004522.3(KIF5C):c.2667C>T (p.Asn889=)

Gene: KIF5C (kinesin family member 5C; plus strand). Cytogenetic location: 2q23.2.
Variant type: single nucleotide variant.
Coding change: c.2667C>T on transcript NM_004522.3 (MANE Select); coding-DNA position 2667, C replaced by T.
Protein change: p.Asn889=; no amino-acid change (asparagine 889 retained).
Molecular consequence: synonymous variant. On other transcripts: non-coding transcript variant (1).
Genome position (GRCh38, 1-based): chr2:149,010,251, C>T. VCF-style: chr2-149010251-C-T. GRCh37 (hg19) VCF-style: chr2-149866765-C-T.
Identifiers: ClinVar variation 510090 (VCV000510090.15), dbSNP rs752652364, ClinGen allele CA1901748.